The following is an entry in ClinVar:

ClinVar aggregate classification (germline): Uncertain significance (1 of 4 stars; one submission).

Allele frequency attached by ClinVar (database versions not stated): 1000 Genomes Project 30x 0.00016; 1000 Genomes Project 0.00020.
gnomAD v4.1: 10 of 700,388 alleles (0.0014%); highest among the groups gnomAD compares: African/African-American, 0.0035%; no homozygotes.

Submission:

Labcorp Genetics (formerly Invitae), Labcorp
Classification: Uncertain significance. Last evaluated: 2022-07-15. Review status: criteria provided, single submitter. Criteria: Invitae Variant Classification Sherloc (09022015). Collection method: clinical testing. Allele origin: germline.
Comment: This variant occurs in the RNU4ATAC gene, which encodes an RNA molecule that does not result in a protein product. This variant is present in population databases (rs183655165, gnomAD 0.004%). This variant has not been reported in the literature in individuals affected with RNU4ATAC-related conditions. ClinVar contains an entry for this variant (Variation ID: 1462660). Experimental studies and prediction algorithms are not available or were not evaluated, and the functional significance of this variant is currently unknown. In summary, the available evidence is currently insufficient to determine the role of this variant in disease. Therefore, it has been classified as a Variant of Uncertain Significance.

NC_000002.12:g.121530950A>G

Genes: CLASP1 (cytoplasmic linker associated protein 1; minus strand), CLASP1-AS1 (CLASP1 antisense RNA 1; plus strand), RNU4ATAC (RNA, U4atac small nuclear; plus strand). Cytogenetic location: 2q14.2.
Variant type: single nucleotide variant.
Molecular consequence: intron variant (on NM_001395891.1).
Genome position: GRCh38 VCF-style: chr2-121530950-A-G. GRCh37 (hg19) VCF-style: chr2-122288526-A-G.
Other names: c.196-625T>C (NM_001142274.2, NM_015282.3, NM_001378003.1 and 5 more transcripts).
Identifiers: ClinVar variation 1462660 (VCV001462660.3), dbSNP rs183655165, ClinGen allele CA54810911.
Genomic context (GRCh38, chr2:121,530,950, plus strand): 5'-TTCTTGGGGTTGCGCTACTGTCCAATGAGCGCATAGTGAGGGCAGTACTGCTAACGCCTG[A>G]ACAACACACCCGCATCAACTAGAGCTTTTGCTTTATTTTGGTGCAATTTTTGGAAAAATG-3'